The following is an entry in ClinVar:

NC_000016.9:g.(2114429_2115519)_(2115637_2120456)dup

Gene: TSC2 (TSC complex subunit 2; plus strand). Cytogenetic location: 16p13.3.
Variant type: Duplication.
Identifiers: ClinVar variation 4847220 (VCV004847220.1).

ClinVar aggregate classification (germline): Uncertain significance (1 of 4 stars; one submission).

Submission:

Women's Health and Genetics/Laboratory Corporation of America, LabCorp
Classification: Uncertain significance. Last evaluated: 2026-03-16. Review status: criteria provided, single submitter. Criteria: LabCorp Variant Classification Summary - May 2015. Collection method: clinical testing. Allele origin: germline.
Comment: Variant summary: The variant involves the duplication of exon 16 in the TSC2 gene. A presumed nomenclature of c.(1599+1_1600-1)_(1716+1_1717-1)dup has been designated for the purposes of this classification. It is assumed to be a tandem duplication in direct orientation (PMIDs: 25640679, 30054569). This Copy Number Variant (CNV) is predicted to result in an in-frame duplication within this gene. The variant was absent in 21442 control chromosomes. The available data on variant occurrences in the general population are insufficient to allow any conclusion about variant significance. Duplication of exon 16 has been observed in individuals affected with Tuberous Sclerosis Complex, however in both cases it was also observed together with other duplicated exons (Dabora_2000). Therefore, this report does not provide unequivocal conclusions about association of the variant with Tuberous Sclerosis Complex. To our knowledge, no experimental evidence demonstrating an impact on protein function has been reported. The following publication has been ascertained in the context of this evaluation (PMID: 11112665). ClinVar contains an entry for this variant (Variation ID: 2423294). Based on the evidence outlined above, the variant was classified as uncertain significance.

Literature cited by the submitters: PubMed 11112665.